The following is an entry in ClinVar:

ClinVar aggregate classification (germline): Uncertain significance. Review status: criteria provided, multiple submitters, no conflicts (2 of 4 stars). 2 submissions from 2 submitters: Uncertain significance (2). Last evaluated 2024-05-06.

Allele frequency attached by ClinVar (database versions not stated): gnomAD 0.00001; gnomAD exomes 0.00001 and 0.00002; ExAC 0.00002; 1000 Genomes Project 30x 0.00016; 1000 Genomes Project 0.00020.
gnomAD v4.1: 4 of 1,614,178 alleles (0.00025%); highest among the groups gnomAD compares: South Asian, 0.0044%; no homozygotes.

Submissions (2):

Ambry Genetics
Classification: Uncertain significance. Last evaluated: 2024-05-06. Review status: criteria provided, single submitter. Criteria: Ambry Variant Classification Scheme 2023. Collection method: clinical testing. Allele origin: germline.

Labcorp Genetics (formerly Invitae), Labcorp
Classification: Uncertain significance. Last evaluated: 2021-04-24. Review status: criteria provided, single submitter. Criteria: Invitae Variant Classification Sherloc (09022015). Collection method: clinical testing. Allele origin: germline.
Comment: This variant is present in population databases (rs555104266, ExAC 0.01%). This sequence change replaces glutamine with arginine at codon 356 of the PTPRJ protein (p.Gln356Arg). The glutamine residue is highly conserved and there is a small physicochemical difference between glutamine and arginine. In summary, the available evidence is currently insufficient to determine the role of this variant in disease. Therefore, it has been classified as a Variant of Uncertain Significance. Algorithms developed to predict the effect of missense changes on protein structure and function are either unavailable or do not agree on the potential impact of this missense change (SIFT: "Deleterious"; PolyPhen-2: "Benign"; Align-GVGD: "Class C0"). This variant has not been reported in the literature in individuals with PTPRJ-related conditions.

NM_002843.4(PTPRJ):c.1067A>G (p.Gln356Arg)

Gene: PTPRJ (protein tyrosine phosphatase receptor type J; plus strand). Cytogenetic location: 11p11.2.
Variant type: single nucleotide variant.
Coding change: c.1067A>G on transcript NM_002843.4 (MANE Select); coding-DNA position 1067, A replaced by G.
Protein change: p.Gln356Arg; replaces glutamine 356 with arginine.
Molecular consequence: missense variant.
Genome position (GRCh38, 1-based): chr11:48,125,160, A>G. VCF-style: chr11-48125160-A-G. GRCh37 (hg19) VCF-style: chr11-48146712-A-G.
Other names: c.1067A>G (NM_002843.3); c.1067A>G, p.Gln356Arg (NM_001098503.2); short protein forms Q356R.
Identifiers: ClinVar variation 1347002 (VCV001347002.7), dbSNP rs555104266, ClinGen allele CA5982062.